The following is an entry in ClinVar:

NM_001243133.2(NLRP3):c.2322-71T>G

Gene: NLRP3 (NLR family pyrin domain containing 3; plus strand). Cytogenetic location: 1q44.
Variant type: single nucleotide variant.
Coding change: c.2322-71T>G on transcript NM_001243133.2 (MANE Select); 71 bases into the intron before coding-DNA position 2322, T replaced by G.
Molecular consequence: intron variant.
Genome position (GRCh38, 1-based): chr1:247,434,032, T>G. VCF-style: chr1-247434032-T-G. GRCh37 (hg19) VCF-style: chr1-247597334-T-G.
Other names: c.2328-71T>G (NM_004895.5); c.2322-71T>G (NM_001127461.3, NM_001079821.3); c.2151-71T>G (NM_001127462.3, NM_183395.3).
Identifiers: ClinVar variation 2628278 (VCV002628278.2), dbSNP rs75201011, ClinGen allele CA40703632.

ClinVar aggregate classification (germline): Benign (1 of 4 stars; one submission).

Allele frequency attached by ClinVar (database versions not stated): gnomAD 0.01757.
gnomAD v4.1: 9,467 of 739,152 alleles (1.3%); highest among the groups gnomAD compares: Admixed American, 4.1%; 1,308 homozygotes.

Submission:

Unidad de Genómica Garrahan, Hospital de Pediatría Garrahan
Classification: Benign. Last evaluated: 2023-11-12. Review status: criteria provided, single submitter. Criteria: ACMG Guidelines, 2015. Collection method: clinical testing. Allele origin: germline. Affected: no. Observed: 22 variant alleles.
Comment: This variant is classified as Benign based on local population frequency. This variant was detected in 23% of patients studied by a panel of primary immunodeficiencies. Number of patients: 22. Only high quality variants are reported.